The following is an entry in ClinVar:

NM_000193.4(SHH):c.839C>A (p.Ser280Ter)

Gene: SHH (sonic hedgehog signaling molecule; minus strand). Cytogenetic location: 7q36.3.
Variant type: single nucleotide variant.
Coding change: c.839C>A on transcript NM_000193.4 (MANE Select); coding-DNA position 839, C replaced by A.
Protein change: p.Ser280Ter; replaces serine 280 with a stop codon.
Molecular consequence: nonsense. On other transcripts: intron variant (1).
Genome position (GRCh38, 1-based): chr7:155,803,450, G>T on the plus strand (C>A on the coding strand, the complement: SHH is on the minus strand). VCF-style: chr7-155803450-G-T. GRCh37 (hg19) VCF-style: chr7-155596144-G-T.
Other names: c.301+2846C>A (NM_001310462.2); short protein forms S280*.
Identifiers: ClinVar variation 3340406 (VCV003340406.1).

ClinVar aggregate classification (germline): Pathogenic (1 of 4 stars; one submission).

gnomAD v4.1: 1 of 1,544,480 alleles (0.000065%); no homozygotes.

Submission:

GeneDx
Classification: Pathogenic. Last evaluated: 2023-12-07. Review status: criteria provided, single submitter. Criteria: GeneDx Variant Classification Process June 2021. Collection method: clinical testing. Allele origin: germline. Affected: yes.
Comment: Nonsense variant predicted to result in protein truncation, as the last 183 amino acids are lost, and other loss-of-function variants have been reported downstream in HGMD; Not observed at significant frequency in large population cohorts (gnomAD); This variant is associated with the following publications: (PMID: 17001669)